The following is an entry in ClinVar:

NM_004360.5(CDH1):c.229G>A (p.Val77Met)

Gene: CDH1 (cadherin 1; plus strand). Cytogenetic location: 16q22.1.
Variant type: single nucleotide variant.
Coding change: c.229G>A on transcript NM_004360.5 (MANE Select); coding-DNA position 229, G replaced by A.
Protein change: p.Val77Met; replaces valine 77 with methionine.
Molecular consequence: missense variant. On other transcripts: 5 prime UTR variant (2).
Genome position (GRCh38, 1-based): chr16:68,801,735, G>A. VCF-style: chr16-68801735-G-A. GRCh37 (hg19) VCF-style: chr16-68835638-G-A.
Other names: c.229G>A (LRG_301t1); c.229G>A, p.Val77Met (NM_001317184.2); c.-1387G>A (NM_001317185.2); c.-1591G>A (NM_001317186.2); short protein forms V77M.
Identifiers: ClinVar variation 655506 (VCV000655506.11), dbSNP rs1597884672, ClinGen allele CA396457201.

ClinVar aggregate classification (germline): Uncertain significance. Review status: criteria provided, multiple submitters, no conflicts (2 of 4 stars). 2 submissions from 2 submitters: Uncertain significance (2). Last evaluated 2024-05-14.

Conditions:
Hereditary cancer-predisposing syndrome. Also called: Neoplastic Syndromes, Hereditary; Hereditary neoplastic syndrome; Hereditary Cancer Syndrome; Tumor predisposition. Identifiers: Orphanet 140162, MedGen C0027672, MeSH D009386, MONDO:0015356.
Hereditary diffuse gastric adenocarcinoma (HDGC). Also called: DIFFUSE GASTRIC AND LOBULAR BREAST CANCER SYNDROME. Identifiers: Orphanet 26106, MedGen C1708349, MONDO:0007648, OMIM 137215.

gnomAD v4.1: 1 of 1,614,206 alleles (0.000062%); no homozygotes.

Submissions (2):

Labcorp Genetics (formerly Invitae), Labcorp
Classification: Uncertain significance for Hereditary diffuse gastric adenocarcinoma. Last evaluated: 2024-05-14. Review status: criteria provided, single submitter. Criteria: Invitae Variant Classification Sherloc (09022015). Collection method: clinical testing. Allele origin: germline.
Comment: This sequence change replaces valine, which is neutral and non-polar, with methionine, which is neutral and non-polar, at codon 77 of the CDH1 protein (p.Val77Met). This variant is not present in population databases (gnomAD no frequency). This variant has not been reported in the literature in individuals affected with CDH1-related conditions. ClinVar contains an entry for this variant (Variation ID: 655506). An algorithm developed to predict the effect of missense changes on protein structure and function (PolyPhen-2) suggests that this variant is likely to be disruptive. In summary, the available evidence is currently insufficient to determine the role of this variant in disease. Therefore, it has been classified as a Variant of Uncertain Significance.

Ambry Genetics
Classification: Uncertain significance for Hereditary cancer-predisposing syndrome. Last evaluated: 2022-06-03. Review status: criteria provided, single submitter. Criteria: Ambry Variant Classification Scheme 2023. Collection method: clinical testing. Allele origin: germline.
Comment: The p.V77M variant (also known as c.229G>A), located in coding exon 3 of the CDH1 gene, results from a G to A substitution at nucleotide position 229. The valine at codon 77 is replaced by methionine, an amino acid with highly similar properties. This amino acid position is conserved. In addition, the in silico prediction for this alteration is inconclusive. Since supporting evidence is limited at this time, the clinical significance of this alteration remains unclear.